The following is an entry in ClinVar:

NM_005263.5(GFI1):c.321dup (p.Ser108fs)

Gene: GFI1 (growth factor independent 1 transcriptional repressor; minus strand). Cytogenetic location: 1p22.1.
Variant type: Duplication.
Coding change: c.321dup on transcript NM_005263.5 (MANE Select); coding-DNA position 321, one base duplicated (A; older notation c.321dupA).
Protein change: p.Ser108fs; shifts the reading frame from serine 108.
Molecular consequence: frameshift variant.
Genome position (GRCh38, 1-based): chr1:92,481,066, T duplicated on the plus strand (A on the coding strand, the reverse complement: GFI1 is on the minus strand). VCF-style (leftmost placement, unchanged base first): chr1-92481065-A-AT. GRCh37 (hg19) VCF-style: chr1-92946622-A-AT.
Other names: p.Ser108Ilefs*24; c.321dup, p.Ser108fs (NM_001127215.3, NM_001127216.3); short protein forms S108fs.
Identifiers: ClinVar variation 4541312 (VCV004541312.1).
Genomic context (GRCh38, chr1:92,481,065, plus strand): 5'-CCAGGCCGCTCCATGAGTACGGTTTGAAAGGCAGGGGGAAGGGCTGGGCTTCGTCCAGCG[A>AT]TGGGCACATTGACTTCTCCGAGGCTGTGGAGGCACAAGGGGAGCGTCCGGTCAGGCTTCA-3'

ClinVar aggregate classification (germline): Uncertain significance (1 of 4 stars; one submission).

Submission:

Mayo Clinic Laboratories, Mayo Clinic
Classification: Uncertain significance. Last evaluated: 2025-05-01. Review status: criteria provided, single submitter. Criteria: ACMG Guidelines, 2015. Collection method: clinical testing. Allele origin: germline. Observed: 1 variant allele.
Comment: PM2_supporting